The following is an entry in ClinVar:

NM_016122.3(CEP83):c.706G>A (p.Ala236Thr)

Gene: CEP83 (centrosomal protein 83; minus strand). Cytogenetic location: 12q22.
Variant type: single nucleotide variant.
Coding change: c.706G>A on transcript NM_016122.3 (MANE Select); coding-DNA position 706, G replaced by A.
Protein change: p.Ala236Thr; replaces alanine 236 with threonine.
Molecular consequence: missense variant. On other transcripts: non-coding transcript variant (3).
Genome position (GRCh38, 1-based): chr12:94,378,886, C>T on the plus strand (G>A on the coding strand, the complement: CEP83 is on the minus strand). VCF-style: chr12-94378886-C-T. GRCh37 (hg19) VCF-style: chr12-94772662-C-T.
Other names: c.706G>A, p.Ala236Thr (NM_001346457.2, NM_001346460.2, NM_001346461.2 and 3 more transcripts); c.394G>A, p.Ala132Thr (NM_001346458.2, NM_001346459.2, NM_001346462.2 and 2 more transcripts); c.481G>A, p.Ala161Thr (NM_001368041.1); c.169G>A, p.Ala57Thr (NM_001368042.1); short protein forms A161T, A236T, A57T, A132T.
Identifiers: ClinVar variation 839469 (VCV000839469.8), dbSNP rs2061688656, ClinGen allele CA386146795.
Genomic context (GRCh38, chr12:94,378,886, plus strand): 5'-ACTGCCGCACCTGTATTCTTTGGGCATTTTCCACCTGAGCCTCAGAATTCTCCTTTTCAG[C>T]CTTTAATTCCGCTACTTCAGCCTCTAAACCTTTTAATTTTTGACACAAATAGACTTTTTC-3'
Protein context (NP_057206.2, residues 226-246): GLEAEVAELK[Ala236Thr]EKENSEAQVE

ClinVar aggregate classification (germline): Uncertain significance (1 of 4 stars; one submission).

Conditions:
Nephronophthisis 18 (NPHP18). Identifiers: Orphanet 655, MedGen C3890591, MONDO:0014374, OMIM 615862.

Submission:

Labcorp Genetics (formerly Invitae), Labcorp
Classification: Uncertain significance for Nephronophthisis 18. Last evaluated: 2019-11-28. Review status: criteria provided, single submitter. Criteria: Invitae Variant Classification Sherloc (09022015). Collection method: clinical testing. Allele origin: germline.
Comment: This variant is not present in population databases (ExAC no frequency). In summary, the available evidence is currently insufficient to determine the role of this variant in disease. Therefore, it has been classified as a Variant of Uncertain Significance. Algorithms developed to predict the effect of missense changes on protein structure and function are either unavailable or do not agree on the potential impact of this missense change (SIFT: "Not Available"; PolyPhen-2: "Benign"; Align-GVGD: "Not Available"). This variant has not been reported in the literature in individuals with CEP83-related conditions. This sequence change replaces alanine with threonine at codon 236 of the CEP83 protein (p.Ala236Thr). The alanine residue is highly conserved and there is a small physicochemical difference between alanine and threonine.